The following is an entry in ClinVar:

ClinVar aggregate classification (germline): Likely benign. Review status: criteria provided, multiple submitters, no conflicts (2 of 4 stars). 5 submissions from 5 submitters: Likely benign (4). 1 of the submissions does not count toward it. Last evaluated 2026-01-26.

Conditions:
COL27A1-related disorder. Also called: COL27A1-related condition.
Inborn genetic diseases. Identifiers: MedGen C0950123, MeSH D030342.

Allele frequency attached by ClinVar (database versions not stated): gnomAD 0.00245 and 0.00258; TOPMed 0.00291; ESP Exome Variant Server 0.00315; 1000 Genomes Project 30x 0.00344; 1000 Genomes Project 0.00379.
gnomAD v4.1: 763 of 1,614,106 alleles (0.047%); highest among the groups gnomAD compares: African/African-American, 0.9%; 1 homozygote.

Submissions (5):

Labcorp Genetics (formerly Invitae), Labcorp
Classification: Likely benign. Last evaluated: 2026-01-26. Review status: criteria provided, single submitter. Criteria: Invitae Variant Classification Sherloc (09022015). Collection method: clinical testing. Allele origin: germline.

Ambry Genetics
Classification: Likely benign for Inborn genetic diseases. Last evaluated: 2025-08-11. Review status: criteria provided, single submitter. Criteria: Ambry Variant Classification Scheme 2023. Collection method: clinical testing. Allele origin: germline.

Blueprint Genetics
Classification: Likely benign. Last evaluated: 2024-11-13. Review status: criteria provided, single submitter. Criteria: ACMG Guidelines, 2015. Collection method: clinical testing. Allele origin: germline.

Breakthrough Genomics
Classification: Likely benign. Review status: criteria provided, single submitter. Criteria: ACMG Guidelines, 2015. Collection method: not provided. Allele origin: germline. Inheritance: Autosomal recessive inheritance. Affected: yes.

PreventionGenetics, part of Exact Sciences
Classification: Likely benign for COL27A1-related condition. Last evaluated: 2019-04-11. Review status: no assertion criteria provided. Collection method: clinical testing. Allele origin: germline. Not counted in ClinVar's aggregate classification.
Comment: This variant is classified as likely benign based on ACMG/AMP sequence variant interpretation guidelines (Richards et al. 2015 PMID: 25741868, with internal and published modifications).

NM_032888.4(COL27A1):c.1310C>T (p.Pro437Leu)

Gene: COL27A1 (collagen type XXVII alpha 1 chain; plus strand). Cytogenetic location: 9q32.
Variant type: single nucleotide variant.
Coding change: c.1310C>T on transcript NM_032888.4 (MANE Select); coding-DNA position 1310, C replaced by T.
Protein change: p.Pro437Leu; replaces proline 437 with leucine.
Molecular consequence: missense variant.
Genome position (GRCh38, 1-based): chr9:114,168,865, C>T. VCF-style: chr9-114168865-C-T. GRCh37 (hg19) VCF-style: chr9-116931145-C-T.
Other names: c.1310C>T (NM_032888.2); short protein forms P437L.
Identifiers: ClinVar variation 786144 (VCV000786144.16), dbSNP rs139358226, ClinGen allele CA5201354.